The following is an entry in ClinVar:

ClinVar aggregate classification (germline): Uncertain significance (1 of 4 stars; one submission).

Submission:

GeneDx
Classification: Uncertain significance. Last evaluated: 2026-02-04. Review status: criteria provided, single submitter. Criteria: GeneDx Variant Classification Process June 2021. Collection method: clinical testing. Allele origin: germline.
Comment: Not observed at significant frequency in large population cohorts (gnomAD); In silico analysis supports that this missense variant has a deleterious effect on protein structure/function; Has not been previously published as pathogenic or benign to our knowledge

NM_006421.5(ARFGEF1):c.1833A>C (p.Lys611Asn)

Gene: ARFGEF1 (ARF guanine nucleotide exchange factor 1; minus strand). Cytogenetic location: 8q13.2.
Variant type: single nucleotide variant.
Coding change: c.1833A>C on transcript NM_006421.5 (MANE Select); coding-DNA position 1833, A replaced by C.
Protein change: p.Lys611Asn; replaces lysine 611 with asparagine.
Molecular consequence: missense variant. On other transcripts: non-coding transcript variant (1).
Genome position (GRCh38, 1-based): chr8:67,266,964, T>G on the plus strand (A>C on the coding strand, the complement: ARFGEF1 is on the minus strand). VCF-style: chr8-67266964-T-G. GRCh37 (hg19) VCF-style: chr8-68179199-T-G.
Other names: c.1833A>C, p.Lys611Asn (NM_001413184.1, NM_001413185.1, NM_001413186.1 and 7 more transcripts); c.1233A>C, p.Lys411Asn (NM_001413188.1, NM_001413193.1, NM_001413197.1); c.408A>C, p.Lys136Asn (NM_001413196.1); short protein forms K136N, K411N, K611N.
Identifiers: ClinVar variation 4975959 (VCV004975959.1).